The following is an entry in ClinVar:

NM_006080.3(SEMA3A):c.2200C>T (p.Arg734Trp)

Gene: SEMA3A (semaphorin 3A; minus strand). Cytogenetic location: 7q21.11.
Variant type: single nucleotide variant.
Coding change: c.2200C>T on transcript NM_006080.3 (MANE Select); coding-DNA position 2200, C replaced by T.
Protein change: p.Arg734Trp; replaces arginine 734 with tryptophan.
Molecular consequence: missense variant.
Genome position (GRCh38, 1-based): chr7:83,961,487, G>A on the plus strand (C>T on the coding strand, the complement: SEMA3A is on the minus strand). VCF-style: chr7-83961487-G-A. GRCh37 (hg19) VCF-style: chr7-83590803-G-A.
Other names: short protein forms R734W.
Identifiers: ClinVar variation 2136550 (VCV002136550.30), dbSNP rs776695769, ClinGen allele CA4322530.
Genomic context (GRCh38, chr7:83,961,487, plus strand): 5'-TATTTTCTTGTAAGTGCTTCCATTTGTTACTGTTCCCTGGGGTATGTCCTGGCCTTTGCC[G>A]ACGTTGTTTTCGGTCCCTTTTCCAAACTTGTTCACAGAACTCATCCATTGTGTTGAGATT-3'
Protein context (NP_006071.1, residues 724-744): QVWKRDRKQR[Arg734Trp]QRPGHTPGNS

ClinVar aggregate classification (germline): Uncertain significance. Review status: criteria provided, multiple submitters, no conflicts (2 of 4 stars). 4 submissions from 4 submitters: Uncertain significance (3). 1 of the submissions does not count toward it. Last evaluated 2024-06-27.

Conditions:
SEMA3A-related disorder. Also called: SEMA3A-related condition.

Allele frequency attached by ClinVar (database versions not stated): ExAC 0.00002; gnomAD exomes 0.00002; gnomAD 0.00003; TOPMed 0.00006.
gnomAD v4.1: 30 of 1,613,840 alleles (0.0019%); highest among the groups gnomAD compares: East Asian, 0.018%; no homozygotes.

Submissions (4):

Labcorp Genetics (formerly Invitae), Labcorp
Classification: Uncertain significance. Last evaluated: 2024-06-27. Review status: criteria provided, single submitter. Criteria: Invitae Variant Classification Sherloc (09022015). Collection method: clinical testing. Allele origin: germline.
Comment: This sequence change replaces arginine, which is basic and polar, with tryptophan, which is neutral and slightly polar, at codon 734 of the SEMA3A protein (p.Arg734Trp). This variant is present in population databases (rs776695769, gnomAD 0.02%). This variant has not been reported in the literature in individuals affected with SEMA3A-related conditions. ClinVar contains an entry for this variant (Variation ID: 2136550). An algorithm developed to predict the effect of missense changes on protein structure and function (PolyPhen-2) suggests that this variant is likely to be disruptive. Experimental studies have shown that this missense change affects SEMA3A function (PMID: 24963029). In summary, the available evidence is currently insufficient to determine the role of this variant in disease. Therefore, it has been classified as a Variant of Uncertain Significance.

GeneDx
Classification: Uncertain significance. Last evaluated: 2023-04-30. Review status: criteria provided, single submitter. Criteria: GeneDx Variant Classification Process June 2021. Collection method: clinical testing. Allele origin: germline. Affected: yes.
Comment: Reported in an individual with Brugada syndrome (Boczek et al., 2014); Identified in an individual from a cohort with normosmic hypogonadotropic hypogonadism (nHH); this individual also harbored variants in other genes associated with nHH (Wang et al., 2022); Published functional studies demonstrate a damaging effect with impaired ability to inhibit Kv4.3 channels (Boczek et al., 2014); In silico analysis supports that this missense variant has a deleterious effect on protein structure/function; Variants in candidate genes are classified as variants of uncertain significance in accordance with ACMG guidelines (Richards et al., 2015); This variant is associated with the following publications: (PMID: 30821013, 24963029, 35669683)

CeGaT Center for Human Genetics Tuebingen
Classification: Uncertain significance. Last evaluated: 2022-11-01. Review status: criteria provided, single submitter. Criteria: CeGaT Center For Human Genetics Tuebingen Variant Classification Criteria Version 2. Collection method: clinical testing. Allele origin: germline. Affected: yes. Observed: 1 variant allele.

PreventionGenetics, part of Exact Sciences
Classification: Uncertain significance for SEMA3A-related condition. Last evaluated: 2024-01-02. Review status: no assertion criteria provided. Collection method: clinical testing. Allele origin: germline. Not counted in ClinVar's aggregate classification.
Comment: The SEMA3A c.2200C>T variant is predicted to result in the amino acid substitution p.Arg734Trp. To our knowledge, this variant has not been reported in the literature in individuals with SEMA3A-related disease. This variant is reported in 0.016% of alleles in individuals of East Asian descent in gnomAD, which is more common than expected for a primary cause of disease. Although we suspect this variant may be benign, at this time, the clinical significance is uncertain due to the absence of conclusive functional and genetic evidence.

Literature cited by the submitters: PubMed 24963029 (cited by Labcorp Genetics (formerly Invitae), Labcorp).